The following is an entry in ClinVar:

NM_000051.4(ATM):c.4158_4175delinsC (p.Lys1387fs)

Gene: ATM (ATM serine/threonine kinase; plus strand). Cytogenetic location: 11q22.3.
Variant type: Indel.
Coding change: c.4158_4175delinsC on transcript NM_000051.4 (MANE Select); coding-DNA positions 4158 to 4175, TAAAGCAACATTTGCCTA replaced by C.
Protein change: p.Lys1387fs; shifts the reading frame from lysine 1387.
Molecular consequence: frameshift variant.
Genome position (GRCh38, 1-based): chr11:108,289,025-108,289,042, TAAAGCAACATTTGCCTA replaced by C. VCF-style: chr11-108289025-TAAAGCAACATTTGCCTA-C. GRCh37 (hg19) VCF-style: chr11-108159752-TAAAGCAACATTTGCCTA-C.
Other names: c.4158_4175delinsC, p.Lys1387fs (NM_001351834.2); short protein forms K1387fs.
Identifiers: ClinVar variation 964963 (VCV000964963.5), dbSNP rs2082642299, ClinGen allele CA1139662300.

ClinVar aggregate classification (germline): Pathogenic (1 of 4 stars; one submission).

Conditions:
Ataxia-telangiectasia syndrome (AT). Also called: ATAXIA-TELANGIECTASIA, FRESNO VARIANT; Ataxia-telangiectasia, complementation group E; Ataxia telangiectasia (A-T); LOUIS-BAR SYNDROME; Ataxia-telangiectasia, complementation group D; AT, COMPLEMENTATION GROUP C. Identifiers: Orphanet 100, MedGen C0004135, MONDO:0008840, OMIM 208900.

Submission:

Labcorp Genetics (formerly Invitae), Labcorp
Classification: Pathogenic for Ataxia-telangiectasia syndrome. Last evaluated: 2019-03-07. Review status: criteria provided, single submitter. Criteria: Invitae Variant Classification Sherloc (09022015). Collection method: clinical testing. Allele origin: germline.
Comment: This sequence change creates a premature translational stop signal (p.Lys1387Tyrfs*6) in the ATM gene. It is expected to result in an absent or disrupted protein product. This variant is not present in population databases (ExAC no frequency). For these reasons, this variant has been classified as Pathogenic. Loss-of-function variants in ATM are known to be pathogenic (PMID: 23807571, 25614872). This variant has not been reported in the literature in individuals with ATM-related conditions.

Literature cited by the submitters: PubMed 23807571; PubMed 25614872.